The following is an entry in ClinVar:

NM_031942.5(CDCA7):c.547T>C (p.Ser183Pro)

Gene: CDCA7 (cell division cycle associated 7; plus strand). Cytogenetic location: 2q31.1.
Variant type: single nucleotide variant.
Coding change: c.547T>C on transcript NM_031942.5 (MANE Select); coding-DNA position 547, T replaced by C.
Protein change: p.Ser183Pro; replaces serine 183 with proline.
Molecular consequence: missense variant.
Genome position (GRCh38, 1-based): chr2:173,363,388, T>C. VCF-style: chr2-173363388-T-C. GRCh37 (hg19) VCF-style: chr2-174228116-T-C.
Other names: c.310T>C, p.Ser104Pro (NM_145810.3); short protein forms S104P, S183P.
Identifiers: ClinVar variation 2921138 (VCV002921138.1), dbSNP rs1333528726, ClinGen allele CA349324969.
Genomic context (GRCh38, chr2:173,363,388, plus strand): 5'-GCAACCAACAAAAAAGCAGAGTCCCGCCAGCCCTCAGAGAATTCTGTGACTGATTCCAAC[T>C]CCGATTCAGAAGATGAAAGTGGAATGAATTTTTTGGAGAAAAGGGCTTTAAATATAAAGC-3'
Protein context (NP_114148.3, residues 173-193): PSENSVTDSN[Ser183Pro]DSEDESGMNF

ClinVar aggregate classification (germline): Uncertain significance (1 of 4 stars; one submission).

Conditions:
Immunodeficiency-centromeric instability-facial anomalies syndrome 3 (ICF3). Identifiers: Orphanet 2268, MedGen C4310799, MONDO:0014828, OMIM 616910.

Allele frequency attached by ClinVar (database versions not stated): gnomAD exomes 0.00001.
gnomAD v4.1: 14 of 1,614,140 alleles (0.00087%); highest among the groups gnomAD compares: Non-Finnish European, 0.0012%; no homozygotes.

Submission:

ARUP Laboratories, Molecular Genetics and Genomics, ARUP Laboratories
Classification: Uncertain significance for Immunodeficiency-centromeric instability-facial anomalies syndrome 3. Last evaluated: 2023-11-03. Review status: criteria provided, single submitter. Criteria: ARUP Molecular Germline Variant Investigation Process 2024. Collection method: clinical testing. Allele origin: germline.
Comment: The CDCA7 c.547T>C p.Ser183Pro variant (rs1333528726), to our knowledge, is not reported in the medical literature or gene specific databases. This variant is found in the general population with an overall allele frequency of 0.0004% (1/251,458 alleles) in the Genome Aggregation Database. Computational analyses are uncertain whether this variant is neutral or deleterious (REVEL: 0.184). Due to limited information, the clinical significance of this variant is uncertain at this time.